The following is an entry in ClinVar:

ClinVar aggregate classification (germline): Uncertain significance (1 of 4 stars; one submission).

Submission:

GeneDx
Classification: Uncertain significance. Last evaluated: 2025-03-17. Review status: criteria provided, single submitter. Criteria: GeneDx Variant Classification Process June 2021. Collection method: clinical testing. Allele origin: germline. Affected: yes.
Comment: Not observed at significant frequency in large population cohorts (gnomAD); In silico analysis supports that this missense variant has a deleterious effect on protein structure/function; Has not been previously published as pathogenic or benign to our knowledge

NM_198503.5(KCNT2):c.101A>C (p.Gln34Pro)

Gene: KCNT2 (potassium sodium-activated channel subfamily T member 2; minus strand). Cytogenetic location: 1q31.3.
Variant type: single nucleotide variant.
Coding change: c.101A>C on transcript NM_198503.5 (MANE Select); coding-DNA position 101, A replaced by C.
Protein change: p.Gln34Pro; replaces glutamine 34 with proline.
Molecular consequence: missense variant. On other transcripts: non-coding transcript variant (2).
Genome position (GRCh38, 1-based): chr1:196,492,336, T>G on the plus strand (A>C on the coding strand, the complement: KCNT2 is on the minus strand). VCF-style: chr1-196492336-T-G. GRCh37 (hg19) VCF-style: chr1-196461466-T-G.
Other names: c.101A>C, p.Gln34Pro (NM_001287819.3, NM_001287820.3); short protein forms Q34P.
Identifiers: ClinVar variation 4086604 (VCV004086604.1).
Genomic context (GRCh38, chr1:196,492,336, plus strand): 5'-TTTATGAAAAATAATTTTAGTCTTTCTTTAAATGTATTTTCATTCATATAGAATTCAACT[T>G]GTACCCTGCAAACAGAAAATAAAAACATGTAAATGTATGCAAGCAACCATATCTTTATTT-3'
Protein context (NP_940905.2, residues 24-44): DQGWQNDDRV[Gln34Pro]VEFYMNENTF